The following is an entry in ClinVar:

NM_017654.4(SAMD9):c.1053C>G (p.Asp351Glu)

Gene: SAMD9 (sterile alpha motif domain containing 9; minus strand). Cytogenetic location: 7q21.2.
Variant type: single nucleotide variant.
Coding change: c.1053C>G on transcript NM_017654.4 (MANE Select); coding-DNA position 1053, C replaced by G.
Protein change: p.Asp351Glu; replaces aspartic acid 351 with glutamic acid.
Molecular consequence: missense variant.
Genome position (GRCh38, 1-based): chr7:93,105,045, G>C on the plus strand (C>G on the coding strand, the complement: SAMD9 is on the minus strand). VCF-style: chr7-93105045-G-C. GRCh37 (hg19) VCF-style: chr7-92734358-G-C.
Other names: c.1053C>G, p.Asp351Glu (NM_001193307.2); c.1053C>G (NM_017654.3); short protein forms D351E.
Identifiers: ClinVar variation 1924578 (VCV001924578.4), dbSNP rs200454238, ClinGen allele CA368202486.

ClinVar aggregate classification (germline): Uncertain significance. Review status: criteria provided, multiple submitters, no conflicts (2 of 4 stars). 2 submissions from 2 submitters: Uncertain significance (2). Last evaluated 2025-12-12.

Conditions:
Inborn genetic diseases. Identifiers: MedGen C0950123, MeSH D030342.

gnomAD v4.1: 9 of 1,613,692 alleles (0.00056%); highest among the groups gnomAD compares: African/African-American, 0.012%; no homozygotes.

Submissions (2):

Labcorp Genetics (formerly Invitae), Labcorp
Classification: Uncertain significance. Last evaluated: 2025-12-12. Review status: criteria provided, single submitter. Criteria: Invitae Variant Classification Sherloc (09022015). Collection method: clinical testing. Allele origin: germline.
Comment: This sequence change replaces aspartic acid, which is acidic and polar, with glutamic acid, which is acidic and polar, at codon 351 of the SAMD9 protein (p.Asp351Glu). This variant is not present in population databases (gnomAD no frequency). This variant has not been reported in the literature in individuals affected with SAMD9-related conditions. ClinVar contains an entry for this variant (Variation ID: 1924578). Invitae Evidence Modeling of protein sequence and biophysical properties (such as structural, functional, and spatial information, amino acid conservation, physicochemical variation, residue mobility, and thermodynamic stability) indicates that this missense variant is not expected to disrupt SAMD9 protein function with a negative predictive value of 95%. In summary, the available evidence is currently insufficient to determine the role of this variant in disease. Therefore, it has been classified as a Variant of Uncertain Significance.

Ambry Genetics
Classification: Uncertain significance for Inborn genetic diseases. Last evaluated: 2025-03-03. Review status: criteria provided, single submitter. Criteria: Ambry Variant Classification Scheme 2023. Collection method: clinical testing. Allele origin: germline.
Comment: The p.D351E variant (also known as c.1053C>G), located in coding exon 1 of the SAMD9 gene, results from a C to G substitution at nucleotide position 1053. The aspartic acid at codon 351 is replaced by glutamic acid, an amino acid with highly similar properties. This amino acid position is conserved. In addition, this alteration is predicted to be tolerated by in silico analysis. Based on the available evidence, the clinical significance of this variant remains unclear.